The following is an entry in ClinVar:

ClinVar aggregate classification (germline): Uncertain significance (1 of 4 stars; one submission).

Conditions:
Familial thoracic aortic aneurysm and aortic dissection (TAAD). Also called: Thoracic aortic aneurysms and dissections. Identifiers: Orphanet 91387, MedGen C4707243, MONDO:0019625.

Submission:

Ambry Genetics
Classification: Uncertain significance for Familial thoracic aortic aneurysm and aortic dissection. Last evaluated: 2026-07-02. Review status: criteria provided, single submitter. Criteria: Ambry Variant Classification Scheme 2023. Collection method: clinical testing. Allele origin: germline.
Comment: The p.N48I variant (also known as c.143A>T), located in coding exon 2 of the TGFBR2 gene, results from an A to T substitution at nucleotide position 143. The asparagine at codon 48 is replaced by isoleucine, an amino acid with dissimilar properties. This amino acid position is conserved. In addition, this alteration is predicted to be tolerated by in silico analysis. Based on the available evidence, the clinical significance of this variant remains unclear.

NM_003242.6(TGFBR2):c.94+16270A>T

Gene: TGFBR2 (transforming growth factor beta receptor 2; plus strand). Cytogenetic location: 3p24.1.
Variant type: single nucleotide variant.
Coding change: c.94+16270A>T on transcript NM_003242.6 (MANE Select); 16270 bases into the intron after coding-DNA position 94, A replaced by T.
Molecular consequence: intron variant. On other transcripts: missense variant (5), 5 prime UTR variant (2).
Genome position (GRCh38, 1-based): chr3:30,623,247, A>T. VCF-style: chr3-30623247-A-T. GRCh37 (hg19) VCF-style: chr3-30664739-A-T.
Other names: c.143A>T, p.Asn48Ile (NM_001024847.3, NM_001407126.1, NM_001407137.1 and 1 more transcripts); c.95A>T, p.Asn32Ile (NM_001407128.1); c.-141A>T (NM_001407133.1); c.-151A>T (NM_001407136.1); c.-12+16654A>T (NM_001407129.1, NM_001407132.1); c.-114-9497A>T (NM_001407135.1); c.-67-11493A>T (NM_001407134.1); c.94+16270A>T (NM_001407127.1, NM_001407130.1, NM_001407138.1); short protein forms N32I, N48I.
Identifiers: ClinVar variation 5030840 (VCV005030840.1).